The following is an entry in ClinVar:

NM_001130823.3(DNMT1):c.47C>G (p.Pro16Arg)

Genes: DNMT1 (DNA methyltransferase 1; minus strand), LOC130063472 (ATAC-STARR-seq lymphoblastoid silent region 10057; plus strand). Cytogenetic location: 19p13.2.
Variant type: single nucleotide variant.
Coding change: c.47C>G on transcript NM_001130823.3 (MANE Select); coding-DNA position 47, C replaced by G.
Protein change: p.Pro16Arg; replaces proline 16 with arginine.
Molecular consequence: missense variant. On other transcripts: 5 prime UTR variant (1).
Genome position (GRCh38, 1-based): chr19:10,194,853, G>C on the plus strand (C>G on the coding strand, the complement: DNMT1 is on the minus strand). VCF-style: chr19-10194853-G-C. GRCh37 (hg19) VCF-style: chr19-10305529-G-C.
Other names: c.47C>G, p.Pro16Arg (NM_001318730.2, NM_001379.4); c.-277C>G (NM_001318731.2); short protein forms P16R.
Identifiers: ClinVar variation 3647828 (VCV003647828.2).
Genomic context (GRCh38, chr19:10,194,853, plus strand): 5'-GTCCGTGTTCCCCCCCATGGTACCTACCGCCTGCGGACATCGTCGGGCAGCGAGATGGCC[G>C]GGACGGCCAGTGTGGGCACCCGGGCTGGGGCGGTACGCGCCGGCATCTCGGAGGCTTCAG-3'
Protein context (NP_001124295.1, residues 6-26): APARVPTLAV[Pro16Arg]AISLPDDVRR

ClinVar aggregate classification (germline): Uncertain significance (1 of 4 stars; one submission).

Conditions:
Hereditary sensory neuropathy-deafness-dementia syndrome. Also called: Hereditary sensory neuropathy type IE; NEUROPATHY, HEREDITARY SENSORY, WITH HEARING LOSS AND DEMENTIA; Hereditary Sensory and Autonomic Neuropathy Type 1E (HSAN1E); HSN IE. Identifiers: Orphanet 456318, MedGen C3279885, MONDO:0013584, OMIM 614116.

Submission:

Labcorp Genetics (formerly Invitae), Labcorp
Classification: Uncertain significance for Hereditary sensory neuropathy-deafness-dementia syndrome. Last evaluated: 2024-03-27. Review status: criteria provided, single submitter. Criteria: Invitae Variant Classification Sherloc (09022015). Collection method: clinical testing. Allele origin: germline.
Comment: This sequence change replaces proline, which is neutral and non-polar, with arginine, which is basic and polar, at codon 16 of the DNMT1 protein (p.Pro16Arg). This variant is not present in population databases (gnomAD no frequency). This variant has not been reported in the literature in individuals affected with DNMT1-related conditions. Algorithms developed to predict the effect of missense changes on protein structure and function output the following: SIFT: "Not Available"; PolyPhen-2: "Benign"; Align-GVGD: "Not Available". The arginine amino acid residue is found in multiple mammalian species, which suggests that this missense change does not adversely affect protein function. In summary, the available evidence is currently insufficient to determine the role of this variant in disease. Therefore, it has been classified as a Variant of Uncertain Significance.